The following is an entry in ClinVar:

NM_014679.5(CEP57):c.194A>G (p.Asn65Ser)

Gene: CEP57 (centrosomal protein 57; plus strand). Cytogenetic location: 11q21.
Variant type: single nucleotide variant.
Coding change: c.194A>G on transcript NM_014679.5 (MANE Select); coding-DNA position 194, A replaced by G.
Protein change: p.Asn65Ser; replaces asparagine 65 with serine.
Molecular consequence: missense variant.
Genome position (GRCh38, 1-based): chr11:95,799,380, A>G. VCF-style: chr11-95799380-A-G. GRCh37 (hg19) VCF-style: chr11-95532544-A-G.
Other names: c.113A>G, p.Asn38Ser (NM_001440870.1, NM_001440875.1, NM_001440877.1 and 4 more transcripts); c.194A>G, p.Asn65Ser (NM_001440871.1, NM_001440872.1, NM_001440873.1 and 6 more transcripts); c.167A>G, p.Asn56Ser (NM_001243776.2); short protein forms N38S, N56S, N65S.
Identifiers: ClinVar variation 4868783 (VCV004868783.1).
Genomic context (GRCh38, chr11:95,799,380, plus strand): 5'-TCCTTAATAGTGATCTACGACGCTCCCCAAGTAAGCCTACACTTGCCTATCCAGAAAGCA[A>G]CAGCAGAGGTAATCGAGCCTAACGAAATAAATGTTATTTGTGTTTTCTTGCTGCTTTAAA-3'
Protein context (NP_055494.2, residues 55-75): SKPTLAYPES[Asn65Ser]SRAIFSALKN

ClinVar aggregate classification (germline): Uncertain significance (1 of 4 stars; one submission).

Conditions:
Inborn genetic diseases. Identifiers: MedGen C0950123, MeSH D030342.

gnomAD v4.1: 6 of 1,613,978 alleles (0.00037%); highest among the groups gnomAD compares: African/African-American, 0.0013%; no homozygotes.

Submission:

Ambry Genetics
Classification: Uncertain significance for Inborn genetic diseases. Last evaluated: 2026-06-05. Review status: criteria provided, single submitter. Criteria: Ambry Variant Classification Scheme 2023. Collection method: clinical testing. Allele origin: germline.
Comment: The p.N65S variant (also known as c.194A>G), located in coding exon 2 of the CEP57 gene, results from an A to G substitution at nucleotide position 194. The asparagine at codon 65 is replaced by serine, an amino acid with highly similar properties. This amino acid position is conserved. In addition, this alteration is predicted to be tolerated by in silico analysis. Based on the available evidence, the clinical significance of this variant remains unclear.